The following is an entry in ClinVar:

NM_001128159.3(VPS53):c.2159A>C (p.Lys720Thr)

Gene: VPS53 (VPS53 subunit of GARP complex; minus strand). Cytogenetic location: 17p13.3.
Variant type: single nucleotide variant.
Coding change: c.2159A>C on transcript NM_001128159.3 (MANE Select); coding-DNA position 2159, A replaced by C.
Protein change: p.Lys720Thr; replaces lysine 720 with threonine.
Molecular consequence: missense variant.
Genome position (GRCh38, 1-based): chr17:521,665, T>G on the plus strand (A>C on the coding strand, the complement: VPS53 is on the minus strand). VCF-style: chr17-521665-T-G. GRCh37 (hg19) VCF-style: chr17-424905-T-G.
Other names: short protein forms K720T.
Identifiers: ClinVar variation 4975762 (VCV004975762.2).

ClinVar aggregate classification (germline): Uncertain significance. Review status: criteria provided, multiple submitters, no conflicts (2 of 4 stars). 2 submissions from 2 submitters: Uncertain significance (2). Last evaluated 2026-07-27.

Conditions:
Inborn genetic diseases. Identifiers: MedGen C0950123, MeSH D030342.

gnomAD v4.1: 19 of 1,550,736 alleles (0.0012%); highest among the groups gnomAD compares: Non-Finnish European, 0.0017%; no homozygotes.

Submissions (2):

Ambry Genetics
Classification: Uncertain significance for Inborn genetic diseases. Last evaluated: 2026-07-27. Review status: criteria provided, single submitter. Criteria: Ambry Variant Classification Scheme 2023. Collection method: clinical testing. Allele origin: germline.
Comment: The c.2159A>C (p.K720T) alteration is located in exon 20 (coding exon 20) of the VPS53 gene. This alteration results from a A to C substitution at nucleotide position 2159, causing the lysine (K) at amino acid position 720 to be replaced by a threonine (T). Based on data from gnomAD, the C allele has an overall frequency of 0.001% (1/156840) total alleles studied. The highest observed frequency was 0.002% (1/61058) of European (non-Finnish) alleles. Based on insufficient or conflicting evidence, the clinical significance of this alteration remains unclear.

GeneDx
Classification: Uncertain significance. Last evaluated: 2026-01-27. Review status: criteria provided, single submitter. Criteria: GeneDx Variant Classification Process June 2021. Collection method: clinical testing. Allele origin: germline.
Comment: Not observed at significant frequency in large population cohorts (gnomAD); In silico analysis supports that this missense variant has a deleterious effect on protein structure/function; Has not been previously published as pathogenic or benign to our knowledge